The following is an entry in ClinVar:

NM_000069.3(CACNA1S):c.2746-14C>T

Gene: CACNA1S (calcium voltage-gated channel subunit alpha1 S; minus strand). Cytogenetic location: 1q32.1.
Variant type: single nucleotide variant.
Coding change: c.2746-14C>T on transcript NM_000069.3 (MANE Select); 14 bases into the intron before coding-DNA position 2746, C replaced by T.
Molecular consequence: intron variant.
Genome position (GRCh38, 1-based): chr1:201,065,959, G>A on the plus strand (C>T on the coding strand, the complement: CACNA1S is on the minus strand). VCF-style: chr1-201065959-G-A. GRCh37 (hg19) VCF-style: chr1-201035087-G-A.
Identifiers: ClinVar variation 254821 (VCV000254821.18), dbSNP rs113792034, ClinGen allele CA079250.

ClinVar aggregate classification (germline): Benign. Review status: criteria provided, multiple submitters, no conflicts (2 of 4 stars). 11 submissions from 8 submitters: Benign (11). Last evaluated 2026-02-04.

Conditions:
Congenital myopathy 18. Also called: DIHYDROPYRIDINE RECEPTOR CONGENITAL MYOPATHY; DHPR CONGENITAL MYOPATHY; Myopathy, congenital, due to dihydropyridine receptor defect. Identifiers: MedGen C5830283, MONDO:0859514, OMIM 620246.
Malignant hyperthermia, susceptibility to, 5 (MHS5). Also called: CACNA1S-Related Malignant Hyperthermia Susceptibility. Identifiers: Orphanet 423, MedGen C1866077, MONDO:0011163, OMIM 601887.
Hypokalemic periodic paralysis, type 1. Also called: HypoPP; Hypokalemic Periodic Paralysis Type 1 (AD). Identifiers: Orphanet 681, MedGen C3714580, MONDO:0042979, OMIM 170400.
Thyrotoxic periodic paralysis, susceptibility to, 1 (TTPP1). Identifiers: Orphanet 79102, MedGen C2749982, MONDO:0008570, OMIM 188580.

Allele frequency attached by ClinVar (database versions not stated): 1000 Genomes Project 0.02656; TOPMed 0.03329; gnomAD exomes 0.03668 and 0.04098; gnomAD 0.03758 and 0.03828; ESP Exome Variant Server 0.03944; 1000 Genomes Project 30x 0.02608; ExAC 0.04615.
gnomAD v4.1: 63,754 of 1,571,438 alleles (4.1%); highest among the groups gnomAD compares: Middle Eastern, 6.9%; 1,450 homozygotes.

Submissions (11):

Labcorp Genetics (formerly Invitae), Labcorp
Classification: Benign for Hypokalemic periodic paralysis, type 1; Malignant hyperthermia, susceptibility to, 5. Last evaluated: 2026-02-04. Review status: criteria provided, single submitter. Criteria: Invitae Variant Classification Sherloc (09022015). Collection method: clinical testing. Allele origin: germline.

All of Us Research Program, National Institutes of Health
Classification: Benign for Malignant hyperthermia, susceptibility to, 5. Last evaluated: 2024-02-05. Review status: criteria provided, single submitter. Criteria: ACMG Guidelines, 2015. Collection method: clinical testing. Allele origin: germline. Inheritance: Autosomal dominant inheritance. Observed: 7,977 variant alleles, 7,812 heterozygotes, 165 homozygotes.
Comment: This study involves interpretation of variants in research participants for the purpose of population health screening. Participant phenotype was not available at the time of variant classification. Additional details can be found in publication PMID: 35346344, PMCID: PMC8962531

Genome-Nilou Lab
Classification: Benign for Malignant hyperthermia, susceptibility to, 5. Last evaluated: 2023-04-11. Review status: criteria provided, single submitter. Criteria: ACMG Guidelines, 2015. Collection method: clinical testing. Allele origin: germline. Affected: no.

Genome-Nilou Lab
Classification: Benign for Thyrotoxic periodic paralysis, susceptibility to, 1. Last evaluated: 2023-04-11. Review status: criteria provided, single submitter. Criteria: ACMG Guidelines, 2015. Collection method: clinical testing. Allele origin: germline. Affected: no.

Genome-Nilou Lab
Classification: Benign for Congenital myopathy 18. Last evaluated: 2023-04-11. Review status: criteria provided, single submitter. Criteria: ACMG Guidelines, 2015. Collection method: clinical testing. Allele origin: germline. Affected: no.

Genome-Nilou Lab
Classification: Benign for Hypokalemic periodic paralysis, type 1. Last evaluated: 2023-04-11. Review status: criteria provided, single submitter. Criteria: ACMG Guidelines, 2015. Collection method: clinical testing. Allele origin: germline. Affected: no.

Color Diagnostics, LLC DBA Color Health
Classification: Benign for Malignant hyperthermia, susceptibility to, 5. Last evaluated: 2019-03-29. Review status: criteria provided, single submitter. Criteria: ACMG Guidelines, 2015. Collection method: clinical testing. Allele origin: germline.

Illumina Laboratory Services, Illumina
Classification: Benign for Hypokalemic periodic paralysis, type 1. Last evaluated: 2018-01-13. Review status: criteria provided, single submitter. Criteria: ICSL Variant Classification Criteria 13 December 2019. Collection method: clinical testing. Allele origin: germline.
Comment: This variant was observed in the ICSL laboratory as part of a predisposition screen in an ostensibly healthy population. It had not been previously curated by ICSL or reported in the Human Gene Mutation Database (HGMD: prior to June 1st, 2018), and was therefore a candidate for classification through an automated scoring system. Utilizing variant allele frequency, disease prevalence and penetrance estimates, and inheritance mode, an automated score was calculated to assess if this variant is too frequent to cause the disease. Based on the score and internal cut-off values, a variant classified as benign is not then subjected to further curation. The score for this variant resulted in a classification of benign for this disease.

GeneDx
Classification: Benign. Last evaluated: 2016-02-23. Review status: criteria provided, single submitter. Criteria: GeneDx Variant Classification (06012015). Collection method: clinical testing. Allele origin: germline. Affected: yes.
Comment: This variant is considered likely benign or benign based on one or more of the following criteria: it is a conservative change, it occurs at a poorly conserved position in the protein, it is predicted to be benign by multiple in silico algorithms, and/or has population frequency not consistent with disease.

Breakthrough Genomics
Classification: Benign. Review status: criteria provided, single submitter. Criteria: ACMG Guidelines, 2015. Collection method: not provided. Allele origin: germline. Inheritance: Autosomal dominant inheritance. Affected: yes.

PreventionGenetics, part of Exact Sciences
Classification: Benign. Review status: criteria provided, single submitter. Criteria: ACMG Guidelines, 2015. Collection method: clinical testing. Allele origin: germline.